The following is an entry in ClinVar:

ClinVar aggregate classification (germline): Benign. Review status: criteria provided, multiple submitters, no conflicts (2 of 4 stars). 5 submissions from 5 submitters: Benign (5). Last evaluated 2026-02-04.

Conditions:
Autosomal dominant nonsyndromic hearing loss 41. Also called: Deafness, autosomal dominant 41. Identifiers: Orphanet 90635, MedGen C1842371, MONDO:0011994, OMIM 608224.

Allele frequency attached by ClinVar (database versions not stated): gnomAD exomes 0.60489 and 0.64258; ExAC 0.63917; ESP Exome Variant Server 0.65431; gnomAD 0.66681 and 0.66828; TOPMed 0.68457; 1000 Genomes Project 0.70767; 1000 Genomes Project 30x 0.71205.

Submissions (5):

Labcorp Genetics (formerly Invitae), Labcorp
Classification: Benign. Last evaluated: 2026-02-04. Review status: criteria provided, single submitter. Criteria: Invitae Variant Classification Sherloc (09022015). Collection method: clinical testing. Allele origin: germline.

Genome-Nilou Lab
Classification: Benign for Autosomal dominant nonsyndromic hearing loss 41. Last evaluated: 2021-09-05. Review status: criteria provided, single submitter. Criteria: ACMG Guidelines, 2015. Collection method: clinical testing. Allele origin: germline. Affected: no.

GeneDx
Classification: Benign. Last evaluated: 2018-06-22. Review status: criteria provided, single submitter. Criteria: GeneDx Variant Classification Process June 2021. Collection method: clinical testing. Allele origin: germline. Affected: yes.

Laboratory for Molecular Medicine, Mass General Brigham Personalized Medicine
Classification: Benign. Last evaluated: 2014-11-24. Review status: criteria provided, single submitter. Criteria: LMM Criteria. Collection method: clinical testing. Allele origin: germline. Observed: 708 variant alleles.
Comment: 636-13G>A in intron 6 of P2RX2: This variant is not expected to have clinical si gnificance because it has been identified in 41.4% (3564/8600) of European Ameri can chromosomes from a broad population by the NHLBI Exome Sequencing Project (dbSNP rs6560891).

Breakthrough Genomics
Classification: Benign. Review status: criteria provided, single submitter. Criteria: ACMG Guidelines, 2015. Collection method: not provided. Allele origin: germline. Inheritance: Autosomal dominant inheritance. Affected: yes.

NM_170682.4(P2RX2):c.636-13G>A

Gene: P2RX2 (purinergic receptor P2X 2; plus strand). Cytogenetic location: 12q24.33.
Variant type: single nucleotide variant.
Coding change: c.636-13G>A on transcript NM_170682.4 (MANE Select); 13 bases into the intron before coding-DNA position 636, G replaced by A.
Molecular consequence: intron variant.
Genome position (GRCh38, 1-based): chr12:132,620,432, G>A. VCF-style: chr12-132620432-G-A. GRCh37 (hg19) VCF-style: chr12-133197018-G-A.
Other names: c.636-13G>A (NM_001282165.2, NM_170683.4, NM_174873.3); c.564-13G>A (NM_016318.4); c.529-13G>A (NM_001282164.2); c.420-13G>A (NM_012226.5); c.360-13G>A (NM_174872.3).
Identifiers: ClinVar variation 226986 (VCV000226986.18), dbSNP rs6560891, ClinGen allele CA6891597.